The following is an entry in ClinVar:

NM_003128.3(SPTBN1):c.6645_6647del (p.Lys2216del)

Genes: SPTBN1 (spectrin beta, non-erythrocytic 1; plus strand), SPTBN1-AS2 (SPTBN1 antisense RNA 2; minus strand). Cytogenetic location: 2p16.2.
Variant type: Deletion.
Coding change: c.6645_6647del on transcript NM_003128.3 (MANE Select); coding-DNA positions 6645 to 6647, 3 bases deleted (GAA; older notation c.6645_6647delGAA).
Protein change: p.Lys2216del; deletes lysine 2216.
Molecular consequence: non-coding transcript variant (on NR_186176.1).
Genome position (GRCh38, 1-based): chr2:54,664,677-54,664,679, GAA deleted; deleting any 3 consecutive bases within chr2:54,664,675-54,664,679 gives the same sequence; the c. name uses the placement nearest the transcript's 3' end. VCF-style (leftmost placement, unchanged base first): chr2-54664674-TAAG-T. GRCh37 (hg19) VCF-style: chr2-54891811-TAAG-T.
Other names: short protein forms K2216del.
Identifiers: ClinVar variation 3370954 (VCV003370954.1).

ClinVar aggregate classification (germline): Uncertain significance (1 of 4 stars; one submission).

Submission:

GeneDx
Classification: Uncertain significance. Last evaluated: 2024-03-19. Review status: criteria provided, single submitter. Criteria: GeneDx Variant Classification Process June 2021. Collection method: clinical testing. Allele origin: germline. Affected: yes.
Comment: Not observed at significant frequency in large population cohorts (gnomAD); In-frame deletion of 1 amino acid in a non-repeat region; In silico analysis supports a deleterious effect on protein structure/function; Has not been previously published as pathogenic or benign to our knowledge